The following continues an entry in ClinVar:

NM_000152.5(GAA):c.1552-3C>G

Gene: GAA. ClinVar aggregate classification (germline): Likely pathogenic. Likely pathogenic (1).

Submissions 13 to 26 of 26:

Ambry Genetics
Classification: Likely pathogenic for Cardiovascular phenotype. Last evaluated: 2023-07-17. Review status: criteria provided, single submitter. Criteria: Ambry Variant Classification Scheme 2023. Collection method: clinical testing. Allele origin: germline. Not counted in ClinVar's aggregate classification.
Comment: The c.1552-3C>G intronic variant results from a C to G substitution 3 nucleotides upstream from coding exon 10 in the GAA gene. This alteration has been reported as homozygous and compound heterozygous in individuals with Pompe disease, including those with low enzyme activity (Kroos M et al. J Inherit Metab Dis, 2006 Aug;29:556-63; Wittmann J et al. JIMD Rep, 2012 Mar;6:117-25; Lin N et al. Clin Chem, 2017 Apr;63:842-851; Ficicioglu C et al. Int J Neonatal Screen, 2020 Nov;6:[ePub ahead of print]). Additionally, aberrant splicing was observed in an in vitro study (Kroos M et al. J Inherit Metab Dis, 2006 Aug;29:556-63). This variant is considered to be rare based on population cohorts in the Genome Aggregation Database (gnomAD). This nucleotide position is well conserved in available vertebrate species. In silico splice site analysis predicts that this alteration will weaken the native splice acceptor site and may result in the creation or strengthening of a novel splice acceptor site. Based on the majority of available evidence to date, this variant is likely to be pathogenic.

Myriad Genetics, Inc.
Classification: Likely pathogenic for Glycogen storage disease, type II. Last evaluated: 2021-11-08. Review status: criteria provided, single submitter. Criteria: Myriad Women's Health Autosomal Recessive and X-Linked Classification Criteria (2021). Collection method: clinical testing. Allele origin: unknown. Not counted in ClinVar's aggregate classification.
Comment: NM_000152.3(GAA):c.1552-3C>G is an intronic variant classified as likely pathogenic in the context of Pompe disease. c.1552-3C>G has been observed in cases with relevant disease (PMID: 28196920, 16838077, 23430949, 33202836). Functional assessments of this variant are available in the literature (PMID: 16838077, 25243733, 27623443). c.1552-3C>G has been observed in population frequency databases (gnomAD: NFE 0.03%). In summary, NM_000152.3(GAA):c.1552-3C>G is an intronic variant that has been observed more frequently in cases with the relevant disease than in healthy populations. Please note: this variant was assessed in the context of healthy population screening.

AiLife Diagnostics
Classification: Likely pathogenic. Last evaluated: 2021-09-16. Review status: criteria provided, single submitter. Criteria: ACMG Guidelines, 2015. Collection method: clinical testing. Allele origin: germline. Affected: yes. Observed: 2 variant alleles. Not counted in ClinVar's aggregate classification.

Genome-Nilou Lab
Classification: Pathogenic for Glycogen storage disease, type II. Last evaluated: 2021-07-22. Review status: criteria provided, single submitter. Criteria: ACMG Guidelines, 2015. Collection method: clinical testing. Allele origin: germline. Affected: yes. Not counted in ClinVar's aggregate classification.

Broad Center for Mendelian Genomics, Broad Institute of MIT and Harvard
Classification: Likely pathogenic for Glycogen storage disease, type II. Last evaluated: 2020-01-22. Review status: criteria provided, single submitter. Criteria: ACMG Guidelines, 2015. Collection method: curation. Allele origin: germline. Inheritance: Autosomal recessive inheritance. Not counted in ClinVar's aggregate classification.
Comment: The c.1552-3C>G variant in GAA has been reported in 3 individuals with Glycogen Storage Disease II (PMID: 16838077, 25243733, 28196920) and has also been reported likely pathogenic by Counsyl, Invitae, and EGL Genetic Diagnostics and pathogenic by GeneDx and Integrated Genetics in ClinVar (Variation ID: 419722). This variant has been identified in 0.027% (35/129024) of European (non-Finnish) chromosomes and 0.008% (3/35432) of Latino chromosomes by the Genome Aggregation Database (gnomAD; dbSNP rs375470378). Although this variant has been seen in the general population, its frequency is low enough to be consistent with a recessive carrier frequency. In vitro functional studies provide some evidence that the c.1552-3C>G variant may cause an impact on splicing in individuals homozygous for this variant with less than 9% of mRNA spliced correctly (PMID: 25243733, 16838077). However, these types of assays may not accurately represent biological function. This variant is located in the 3' splice region. Computational prediction tools and conservation analyses do not provide strong support for or against an impact to the protein, though some splice predictors do suggest an impact on a splice site. The presence of this variant in the homozygous state and in combination with a reported pathogenic variant, and in individuals with Glycogen Storage Disease II increases the likelihood that the c.1552-3C>G variant is pathogenic (PMID: 28196920, 16838077). The phenotype of individuals homozygous and heterozygous with this variant is highly specific for Glycogen Storage Disease II with abnormally low GAA activity detected in their leukocytes and the absence of known pseudodeficiency alleles in one individual (PMID: 28196920, 16838077). In summary, although additional studies are required to fully establish its clinical significance, this variant is likely pathogenic. ACMG/AMP Criteria applied: PP4_Moderate, PM3, PM2, PS3_Supporting (Richards 2015).

ARUP Laboratories, Molecular Genetics and Genomics, ARUP Laboratories
Classification: Likely pathogenic for Glycogen storage disease, type II. Last evaluated: 2019-05-11. Review status: criteria provided, single submitter. Criteria: ARUP Molecular Germline Variant Investigation Process. Collection method: clinical testing. Allele origin: germline. Not counted in ClinVar's aggregate classification.
Comment: The GAA c.1552-3C>G variant (rs375470378) is reported in the literature in at least one homozygous individual affected with glycogen storage disease II, also called Pompe disease (Bergsma 2015, Kroos 2006). This variant is found in the non-Finnish European population with an overall allele frequency of 0.03% (35/129024 alleles) in the Genome Aggregation Database. This is an intronic variant in a moderately conserved nucleotide, and computational analyses (Alamut v.2.11) predict that this variant impacts splicing by weakening the nearby canonical acceptor splice site. Consistent with these predictions, analyses of patient cDNAs show production of aberrantly spliced mRNAs and reduced mRNA levels compared to those in healthy individuals (Bergsma 2015, Kroos 2006). In addition, fibroblasts from a homozygous individual with this variant exhibited decreased GAA protein levels and substantially reduced GAA enzymatic activity (Bergsma 2015, Kroos 2006). Based on available information, this variant is considered to be likely pathogenic. References: Bergsma AJ et al. Identification and characterization of aberrant GAA pre-mRNA splicing in pompe disease using a generic approach. Hum Mutat. 2015 Jan;36(1):57-68. Kroos M et al. Seven cases of Pompe disease from Greece. J Inherit Metab Dis. 2006 Aug;29(4):556-63.

Centre for Mendelian Genomics, University Medical Centre Ljubljana
Classification: Pathogenic for Glycogen storage disease, type II. Last evaluated: 2019-01-09. Review status: criteria provided, single submitter. Criteria: ACMG Guidelines, 2015. Collection method: clinical testing. Allele origin: unknown. Affected: yes. Not counted in ClinVar's aggregate classification.
Comment: This variant was classified as: Pathogenic. The following ACMG criteria were applied in classifying this variant: PS1,PS3,PM2,PP3.

Women's Health and Genetics/Laboratory Corporation of America, LabCorp
Classification: Pathogenic for Glycogen storage disease, type II. Last evaluated: 2017-11-06. Review status: criteria provided, single submitter. Criteria: LabCorp Variant Classification Summary - May 2015. Collection method: clinical testing. Allele origin: germline. Not counted in ClinVar's aggregate classification.
Comment: Variant summary: The GAA c.1552-3C>G variant involves the alteration of a non-conserved intronic nucleotide and 5/5 splice prediction tools predict an impact on normal splicing. Multiple functional studies support these predictions with findings indicating that the variant does affect splicing (Kroos_2006, Bergsma_2015). This variant was found in 38/277142 control chromosomes, predominantly observed in the European (Non-Finnish) subpopulation at a frequency of 0.000276 (35/126638), which does not exceed the estimated maximal expected allele frequency of a pathogenic GAA variant (0.0042205). Multiple publications have cited the variant in homozygous affected individuals. In addition, a clinical diagnostic laboratory classified this variant as pathogenic. Taken together, this variant is classified as pathogenic.

Eurofins Ntd Llc (ga)
Classification: Likely pathogenic. Last evaluated: 2017-03-16. Review status: criteria provided, single submitter. Criteria: EGL Classification Definitions 2015. Collection method: clinical testing. Allele origin: germline. Observed: 2 variant alleles, 2 heterozygotes. Not counted in ClinVar's aggregate classification.

Juno Genomics, Hangzhou Juno Genomics, Inc
Classification: Likely pathogenic for Glycogen storage disease, type II. Review status: criteria provided, single submitter. Criteria: ACMG Guidelines, 2015. Collection method: clinical testing. Allele origin: germline. Not counted in ClinVar's aggregate classification.
Comment: Absent from controls (or at extremely low frequency if recessive) in Genome Aggregation Database.;Well-established in vitro or in vivo functional studies supportive of a damaging effect on the gene or gene product.;For recessive disorders, detected in trans with a pathogenic variant.;Patient's phenotype or family history is highly specific for a disease with a single genetic etiology.

Dr. Peter K. Rogan Lab, Western University
No classification provided (evidence only). Condition: Melanoma. Review status: no classification provided. Collection method: in vitro. Allele origin: not applicable. Functional consequence: retained intron. Not counted in ClinVar's aggregate classification.

Dr. Peter K. Rogan Lab, Western University
No classification provided (evidence only). Condition: Familial cancer of breast. Review status: no classification provided. Collection method: in vitro. Allele origin: not applicable. Functional consequence: retained intron. Not counted in ClinVar's aggregate classification.

Dr. Peter K. Rogan Lab, Western University
No classification provided (evidence only). Condition: Colon adenocarcinoma. Review status: no classification provided. Collection method: in vitro. Allele origin: not applicable. Functional consequence: retained intron. Not counted in ClinVar's aggregate classification.

Dr. Peter K. Rogan Lab, Western University
No classification provided (evidence only). Condition: Gastric cancer. Review status: no classification provided. Collection method: in vitro. Allele origin: not applicable. Functional consequence: retained intron. Not counted in ClinVar's aggregate classification.

Literature cited by the submitters: PubMed 33202836 (cited by 4 submitters); PubMed 28196920 (cited by 7 submitters); PubMed 16838077 (cited by 9 submitters); PubMed 25243733 (cited by 7 submitters); PubMed 23430949 (cited by 5 submitters); PubMed 17576681 (cited by Labcorp Genetics (formerly Invitae), Labcorp); PubMed 9536098 (cited by Labcorp Genetics (formerly Invitae), Labcorp); PubMed 27623443 (cited by Natera, Inc. and Myriad Genetics, Inc.); PubMed 34691145 (cited by Mayo Clinic Laboratories, Mayo Clinic); PubMed 39033325 (cited by Mayo Clinic Laboratories, Mayo Clinic); PubMed 39678382 (cited by Mayo Clinic Laboratories, Mayo Clinic); PubMed 25525159 (cited by AiLife Diagnostics).